The following is an entry in ClinVar:

ClinVar aggregate classification (germline): Uncertain significance. Review status: criteria provided, multiple submitters, no conflicts (2 of 4 stars). 3 submissions from 3 submitters: Uncertain significance (3). Last evaluated 2026-02-03.

Conditions:
Inborn genetic diseases. Identifiers: MedGen C0950123, MeSH D030342.
Familial sleep-related hypermotor epilepsy. Also called: Autosomal Dominant Sleep-Related Hypermotor (Hyperkinetic) Epilepsy. Identifiers: Orphanet 98784, MedGen C3696898, MONDO:0000030.

Allele frequency attached by ClinVar (database versions not stated): ExAC 0.00001; gnomAD exomes 0.00001; gnomAD 0.00002; TOPMed 0.00002.
gnomAD v4.1: 14 of 1,613,486 alleles (0.00087%); highest among the groups gnomAD compares: Admixed American, 0.0017%; no homozygotes.

Submissions (3):

Labcorp Genetics (formerly Invitae), Labcorp
Classification: Uncertain significance. Last evaluated: 2026-02-03. Review status: criteria provided, single submitter. Criteria: Invitae Variant Classification Sherloc (09022015). Collection method: clinical testing. Allele origin: germline.
Comment: This sequence change replaces arginine, which is basic and polar, with cysteine, which is neutral and slightly polar, at codon 121 of the CHRNA2 protein (p.Arg121Cys). This variant is present in population databases (rs746274421, gnomAD 0.003%). This variant has not been reported in the literature in individuals affected with CHRNA2-related conditions. ClinVar contains an entry for this variant (Variation ID: 3008880). Invitae Evidence Modeling of protein sequence and biophysical properties (such as structural, functional, and spatial information, amino acid conservation, physicochemical variation, residue mobility, and thermodynamic stability) has been performed for this missense variant. However, the output from this modeling did not meet the statistical confidence thresholds required to predict the impact of this variant on CHRNA2 protein function. In summary, the available evidence is currently insufficient to determine the role of this variant in disease. Therefore, it has been classified as a Variant of Uncertain Significance.

Ambry Genetics
Classification: Uncertain significance for Inborn genetic diseases. Last evaluated: 2024-04-29. Review status: criteria provided, single submitter. Criteria: Ambry Variant Classification Scheme 2023. Collection method: clinical testing. Allele origin: germline.

Blueprint Genetics
Classification: Uncertain significance. Last evaluated: 2020-02-13. Review status: criteria provided, single submitter. Criteria: ACMG Guidelines, 2015. Collection method: clinical testing. Allele origin: germline.

NM_000742.4(CHRNA2):c.361C>T (p.Arg121Cys)

Gene: CHRNA2 (cholinergic receptor nicotinic alpha 2 subunit; minus strand). Cytogenetic location: 8p21.2.
Variant type: single nucleotide variant.
Coding change: c.361C>T on transcript NM_000742.4 (MANE Select); coding-DNA position 361, C replaced by T.
Protein change: p.Arg121Cys; replaces arginine 121 with cysteine.
Molecular consequence: missense variant. On other transcripts: 5 prime UTR variant (4).
Genome position (GRCh38, 1-based): chr8:27,467,317, G>A on the plus strand (C>T on the coding strand, the complement: CHRNA2 is on the minus strand). VCF-style: chr8-27467317-G-A. GRCh37 (hg19) VCF-style: chr8-27324834-G-A.
Other names: c.361C>T (NM_000742.3); c.316C>T, p.Arg106Cys (NM_001282455.2); c.-112C>T (NM_001347705.2, NM_001347706.2); c.-98C>T (NM_001347707.2); c.-101C>T (NM_001347708.2); short protein forms R121C, R106C.
Identifiers: ClinVar variation 3008880 (VCV003008880.5), dbSNP rs746274421, ClinGen allele CA4689688.